The following is an entry in ClinVar:

ClinVar aggregate classification (germline): conflicting data from submitters (0 of 4 stars; one submission).

Submission:

ISCA site 1
Classification: conflicting data from submitters. Last evaluated: 2012-10-24. Review status: no assertion criteria provided. Collection method: clinical testing. Allele origin: unknown. Affected: yes. Observed: 4 variant alleles. Clinical features observed: Seizures (HP:0001250), Autism (HP:0000717), Delayed speech and language development (HP:0000750), Global developmental delay (HP:0001263), Delayed gross motor development (HP:0002194), Cryptorchidism (HP:0000028), Microcephaly (HP:0000252), Syndactyly (HP:0001159), Generalized hypotonia (HP:0001290), Abnormal facial shape (HP:0001999).
Comment: Pathogenic(3), Likely benign (1)

Copy number variation identified through the course of routine clinical cytogenomic testing in postnatal populations, with clinical assertions as classified by the original submitter. For data from the original published study, Kaminsky, et al. 2011 (PubMed 21844811), please see nstd101.

GRCh38/hg38 16p13.3(chr16:173659-175685)x0

Genes: HBA2 (hemoglobin subunit alpha 2; plus strand), LOC106804612 (hemoglobin subunit alpha 2 recombination region; plus strand), LOC106804613 (hemoglobin subunit alpha 1 recombination region; plus strand). Cytogenetic location: 16p13.3.
Variant type: copy number loss.
Change: copy number 0 (both copies lost) of chr16:173,659-175,685 (2.0 kb, GRCh38 coordinates, 1-based), cytogenetic band 16p13.3.
Identifiers: ClinVar variation 148994 (VCV000148994.3).